The following is an entry in ClinVar:

NM_000135.4(FANCA):c.128T>G (p.Leu43Ter)

Gene: FANCA (FA complementation group A; minus strand). Cytogenetic location: 16q24.3.
Variant type: single nucleotide variant.
Coding change: c.128T>G on transcript NM_000135.4 (MANE Select); coding-DNA position 128, T replaced by G.
Protein change: p.Leu43Ter; replaces leucine 43 with a stop codon.
Molecular consequence: nonsense.
Genome position (GRCh38, 1-based): chr16:89,815,938, A>C on the plus strand (T>G on the coding strand, the complement: FANCA is on the minus strand). VCF-style: chr16-89815938-A-C. GRCh37 (hg19) VCF-style: chr16-89882346-A-C.
Other names: c.128T>G, p.Leu43Ter (NM_001018112.3, NM_001286167.3, NM_001351830.2); short protein forms L43*.
Identifiers: ClinVar variation 915874 (VCV000915874.8), dbSNP rs1158456786, ClinGen allele CA397483474.

ClinVar aggregate classification (germline): Pathogenic. Review status: criteria provided, single submitter (1 of 4 stars). 2 submissions from 2 submitters: Pathogenic (1). 1 of the submissions does not count toward it. Last evaluated 2021-11-19.

Conditions:
Fanconi anemia (FA). Also called: Fanconi's anemia. Identifiers: Orphanet 84, MedGen C0015625, MeSH D005199, MONDO:0019391.
Fanconi anemia complementation group A (FANCA). Also called: FANCA-Related Fanconi Anemia; Fanconi anemia, group A. Identifiers: Orphanet 84, MedGen C3469521, MONDO:0009215, OMIM 227650.

Allele frequency attached by ClinVar (database versions not stated): gnomAD exomes below 0.00001.
gnomAD v4.1: 1 of 1,614,090 alleles (0.000062%); highest among the groups gnomAD compares: Non-Finnish European, 0.000085%; no homozygotes.

Submissions (2):

Labcorp Genetics (formerly Invitae), Labcorp
Classification: Pathogenic for Fanconi anemia. Last evaluated: 2021-11-19. Review status: criteria provided, single submitter. Criteria: Invitae Variant Classification Sherloc (09022015). Collection method: clinical testing. Allele origin: germline.
Comment: This sequence change creates a premature translational stop signal (p.Leu43*) in the FANCA gene. It is expected to result in an absent or disrupted protein product. Loss-of-function variants in FANCA are known to be pathogenic (PMID: 19367192). For these reasons, this variant has been classified as Pathogenic. ClinVar contains an entry for this variant (Variation ID: 915874). This premature translational stop signal has been observed in individual(s) with Fanconi anemia (PMID: 17924555, 33224012). This variant is present in population databases (no rsID available, gnomAD 0.0009%).

Istanbul Faculty of Medicine, Istanbul University
Classification: Likely pathogenic for Fanconi anemia, complementation group A. Last evaluated: 2020-03-17. Review status: no assertion criteria provided. Collection method: clinical testing. Allele origin: germline. Affected: yes. Observed: 1 variant allele. Not counted in ClinVar's aggregate classification.
Comment: Segregates in family

Literature cited by the submitters: PubMed 19367192 (cited by Labcorp Genetics (formerly Invitae), Labcorp); PubMed 17924555 (cited by Labcorp Genetics (formerly Invitae), Labcorp); PubMed 33224012 (cited by Labcorp Genetics (formerly Invitae), Labcorp); DOI 10.1159/000509838 (cited by Istanbul Faculty of Medicine, Istanbul University).